The following is an entry in ClinVar:

ClinVar aggregate classification (germline): Likely benign (1 of 4 stars; one submission).

Conditions:
Malignant hyperthermia, susceptibility to, 1 (MHS1). Also called: Anesthesia related hyperthermia; Malignant hyperpyrexia; Fulminating hyperpyrexia; Pharmacogenic myopathy; RYR1-Related Malignant Hyperthermia Susceptibility; Malignant hyperthermia suceptibility 1. Identifiers: Orphanet 423, MedGen C2930980, MONDO:0007783, OMIM 145600.

Allele frequency attached by ClinVar (database versions not stated): ExAC 0.00001; gnomAD exomes 0.00001.
gnomAD v4.1: 4 of 1,613,524 alleles (0.00025%); highest among the groups gnomAD compares: Non-Finnish European, 0.00017%; no homozygotes.

Submission:

All of Us Research Program, National Institutes of Health
Classification: Likely benign for Malignant hyperthermia, susceptibility to, 1. Last evaluated: 2023-05-30. Review status: criteria provided, single submitter. Criteria: ACMG Guidelines, 2015. Collection method: clinical testing. Allele origin: germline. Inheritance: Autosomal dominant inheritance. Observed: 1 variant allele, 1 heterozygote.
Comment: This study involves interpretation of variants in research participants for the purpose of population health screening. Participant phenotype was not available at the time of variant classification. Additional details can be found in publication PMID: 35346344, PMCID: PMC8962531

NM_000540.3(RYR1):c.2958T>C (p.Arg986=)

Gene: RYR1 (ryanodine receptor 1; plus strand). Cytogenetic location: 19q13.2.
Variant type: single nucleotide variant.
Coding change: c.2958T>C on transcript NM_000540.3 (MANE Select); coding-DNA position 2958, T replaced by C.
Protein change: p.Arg986=; no amino-acid change (arginine 986 retained).
Molecular consequence: synonymous variant.
Genome position (GRCh38, 1-based): chr19:38,466,178, T>C. VCF-style: chr19-38466178-T-C. GRCh37 (hg19) VCF-style: chr19-38956818-T-C.
Other names: c.2958T>C, p.Arg986= (NM_001042723.2).
Identifiers: ClinVar variation 3071424 (VCV003071424.1), dbSNP rs767256987, ClinGen allele CA064252.